The following is an entry in ClinVar:

ClinVar aggregate classification (germline): Uncertain significance. Review status: criteria provided, multiple submitters, no conflicts (2 of 4 stars). 3 submissions from 3 submitters: Uncertain significance (3). Last evaluated 2026-07-01.

Conditions:
Bloom syndrome (BLM). Also called: Bloom-Torre-Machacek syndrome. Identifiers: Orphanet 125, MedGen C0005859, MONDO:0008876, OMIM 210900.
Hereditary cancer-predisposing syndrome. Also called: Neoplastic Syndromes, Hereditary; Tumor predisposition; Hereditary neoplastic syndrome; Hereditary Cancer Syndrome. Identifiers: Orphanet 140162, MedGen C0027672, MeSH D009386, MONDO:0015356.

gnomAD v4.1: 3 of 1,613,816 alleles (0.00019%); highest among the groups gnomAD compares: Non-Finnish European, 0.00025%; no homozygotes.

Submissions (3):

CeGaT Center for Human Genetics Tuebingen
Classification: Uncertain significance. Last evaluated: 2026-07-01. Review status: criteria provided, single submitter. Criteria: CeGaT Center For Human Genetics Tuebingen Variant Classification Criteria Version 2. Collection method: clinical testing. Allele origin: germline. Affected: yes. Observed: 1 variant allele.
Comment: BLM: PM2

Labcorp Genetics (formerly Invitae), Labcorp
Classification: Uncertain significance for Bloom syndrome. Last evaluated: 2023-11-07. Review status: criteria provided, single submitter. Criteria: Invitae Variant Classification Sherloc (09022015). Collection method: clinical testing. Allele origin: germline.
Comment: This sequence change replaces threonine, which is neutral and polar, with lysine, which is basic and polar, at codon 830 of the BLM protein (p.Thr830Lys). This variant is not present in population databases (gnomAD no frequency). This variant has not been reported in the literature in individuals affected with BLM-related conditions. ClinVar contains an entry for this variant (Variation ID: 1017501). Advanced modeling of protein sequence and biophysical properties (such as structural, functional, and spatial information, amino acid conservation, physicochemical variation, residue mobility, and thermodynamic stability) performed at Invitae indicates that this missense variant is expected to disrupt BLM protein function with a positive predictive value of 80%. In summary, the available evidence is currently insufficient to determine the role of this variant in disease. Therefore, it has been classified as a Variant of Uncertain Significance.

Ambry Genetics
Classification: Uncertain significance for Hereditary cancer-predisposing syndrome. Last evaluated: 2022-09-06. Review status: criteria provided, single submitter. Criteria: Ambry Variant Classification Scheme 2023. Collection method: clinical testing. Allele origin: germline.
Comment: The p.T830K variant (also known as c.2489C>A), located in coding exon 11 of the BLM gene, results from a C to A substitution at nucleotide position 2489. The threonine at codon 830 is replaced by lysine, an amino acid with similar properties. This amino acid position is highly conserved in available vertebrate species. In addition, this alteration is predicted to be deleterious by in silico analysis. Since supporting evidence is limited at this time, the clinical significance of this alteration remains unclear.

Literature cited by the submitters: PubMed 30613976 (cited by Ambry Genetics).

NM_000057.4(BLM):c.2489C>A (p.Thr830Lys)

Gene: BLM (BLM RecQ like helicase; plus strand). Cytogenetic location: 15q26.1.
Variant type: single nucleotide variant.
Coding change: c.2489C>A on transcript NM_000057.4 (MANE Select); coding-DNA position 2489, C replaced by A.
Protein change: p.Thr830Lys; replaces threonine 830 with lysine.
Molecular consequence: missense variant.
Genome position (GRCh38, 1-based): chr15:90,769,520, C>A. VCF-style: chr15-90769520-C-A. GRCh37 (hg19) VCF-style: chr15-91312750-C-A.
Other names: c.2489C>A, p.Thr830Lys (NM_001287246.2, NM_001287247.2); c.1364C>A, p.Thr455Lys (NM_001287248.2); short protein forms T455K, T830K.
Identifiers: ClinVar variation 1017501 (VCV001017501.12), dbSNP rs759545027, ClinGen allele CA393845431.